The following is an entry in ClinVar:

NM_012377.1(OR7C2):c.528C>T (p.His176=)

Gene: OR7C2 (olfactory receptor family 7 subfamily C member 2; plus strand). Cytogenetic location: 19p13.12.
Variant type: single nucleotide variant.
Coding change: c.528C>T on transcript NM_012377.1 (MANE Select); coding-DNA position 528, C replaced by T.
Protein change: p.His176=; no amino-acid change (histidine 176 retained).
Molecular consequence: synonymous variant.
Genome position (GRCh38, 1-based): chr19:14,942,016, C>T. VCF-style: chr19-14942016-C-T. GRCh37 (hg19) VCF-style: chr19-15052828-C-T.
Identifiers: ClinVar variation 4823132 (VCV004823132.4).

ClinVar aggregate classification (germline): Likely benign (1 of 4 stars; one submission).

Submission:

CeGaT Center for Human Genetics Tuebingen
Classification: Likely benign. Last evaluated: 2026-01-01. Review status: criteria provided, single submitter. Criteria: CeGaT Center For Human Genetics Tuebingen Variant Classification Criteria Version 2. Collection method: clinical testing. Allele origin: germline. Affected: yes. Observed: 1 variant allele.
Comment: OR7C2: PM2:Supporting, BP4, BP7